The following is an entry in ClinVar:

ClinVar aggregate classification (germline): Likely pathogenic (1 of 4 stars; one submission).

Conditions:
Autosomal recessive limb-girdle muscular dystrophy type 2B (LGMDR2). Also called: Limb-Girdle Muscular Dystrophy Type 2B (LGMD2B); Limb-girdle muscular dystrophy, type 2B; MUSCULAR DYSTROPHY, LIMB-GIRDLE, TYPE 3; MUSCULAR DYSTROPHY, LIMB-GIRDLE, AUTOSOMAL RECESSIVE 2. Identifiers: Orphanet 268, MedGen C1850889, MONDO:0009676, OMIM 253601.

Submission:

Neuberg Centre For Genomic Medicine, NCGM
Classification: Likely pathogenic for Autosomal recessive limb-girdle muscular dystrophy type 2B. Review status: criteria provided, single submitter. Criteria: ACMG Guidelines, 2015. Collection method: clinical testing. Allele origin: germline. Inheritance: Autosomal recessive inheritance. Affected: yes.
Comment: The stop gained variant in c.1156A>T (p.Arg386Ter) in DYSF gene has not been reported previously as a pathogenic variant nor as a benign variant, to our knowledge. The nucleotide change in DYSF is predicted as conserved by GERP++ and PhyloP across 100 vertebrates. The variant is novel (not in any individuals) in gnomAD Exomes and 1000 Genomes. For these reasons, this variant has been classified as Likely Pathogenic .

NM_001130987.2(DYSF):c.1156A>T (p.Arg386Ter)

Gene: DYSF (dysferlin; plus strand). Cytogenetic location: 2p13.2.
Variant type: single nucleotide variant.
Coding change: c.1156A>T on transcript NM_001130987.2 (MANE Select); coding-DNA position 1156, A replaced by T.
Protein change: p.Arg386Ter; replaces arginine 386 with a stop codon.
Molecular consequence: nonsense.
Genome position (GRCh38, 1-based): chr2:71,526,226, A>T. VCF-style: chr2-71526226-A-T. GRCh37 (hg19) VCF-style: chr2-71753356-A-T.
Other names: c.1063A>T, p.Arg355Ter (NM_001130455.2, NM_001130983.2, NM_001130984.2 and 1 more transcripts); c.1060A>T, p.Arg354Ter (NM_001130976.2, NM_001130977.2, NM_001130978.2 and 1 more transcripts); c.1153A>T, p.Arg385Ter (NM_001130979.2, NM_001130980.2, NM_001130981.2); c.1156A>T, p.Arg386Ter (NM_001130982.2, NM_001130985.2); short protein forms R386*, R355*, R385*, R354*.
Identifiers: ClinVar variation 2585239 (VCV002585239.1), dbSNP rs2545491594, ClinGen allele CA347212929.